The following is an entry in ClinVar:

ClinVar aggregate classification (germline): Uncertain significance (1 of 4 stars; one submission).

Conditions:
Familial sleep-related hypermotor epilepsy. Also called: Autosomal Dominant Sleep-Related Hypermotor (Hyperkinetic) Epilepsy. Identifiers: Orphanet 98784, MedGen C3696898, MONDO:0000030.

gnomAD v4.1: 1 of 1,612,630 alleles (0.000062%); highest among the groups gnomAD compares: Non-Finnish European, 0.000085%; no homozygotes.

Submission:

Labcorp Genetics (formerly Invitae), Labcorp
Classification: Uncertain significance. Last evaluated: 2024-02-14. Review status: criteria provided, single submitter. Criteria: Invitae Variant Classification Sherloc (09022015). Collection method: clinical testing. Allele origin: germline.
Comment: This sequence change replaces leucine, which is neutral and non-polar, with valine, which is neutral and non-polar, at codon 68 of the CHRNA4 protein (p.Leu68Val). This variant is not present in population databases (gnomAD no frequency). This variant has not been reported in the literature in individuals affected with CHRNA4-related conditions. Advanced modeling of protein sequence and biophysical properties (such as structural, functional, and spatial information, amino acid conservation, physicochemical variation, residue mobility, and thermodynamic stability) performed at Invitae indicates that this missense variant is not expected to disrupt CHRNA4 protein function with a negative predictive value of 80%. In summary, the available evidence is currently insufficient to determine the role of this variant in disease. Therefore, it has been classified as a Variant of Uncertain Significance.

NM_000744.7(CHRNA4):c.202C>G (p.Leu68Val)

Gene: CHRNA4 (cholinergic receptor nicotinic alpha 4 subunit; minus strand). Cytogenetic location: 20q13.33.
Variant type: single nucleotide variant.
Coding change: c.202C>G on transcript NM_000744.7 (MANE Select); coding-DNA position 202, C replaced by G.
Protein change: p.Leu68Val; replaces leucine 68 with valine.
Molecular consequence: missense variant. On other transcripts: 5 prime UTR variant (1), non-coding transcript variant (1).
Genome position (GRCh38, 1-based): chr20:63,359,574, G>C on the plus strand (C>G on the coding strand, the complement: CHRNA4 is on the minus strand). VCF-style: chr20-63359574-G-C. GRCh37 (hg19) VCF-style: chr20-61990926-G-C.
Other names: c.-345C>G (NM_001256573.2); short protein forms L68V.
Identifiers: ClinVar variation 3640770 (VCV003640770.2).